The following is an entry in ClinVar:

ClinVar aggregate classification (germline): Uncertain significance (1 of 4 stars; one submission).

gnomAD v4.1: 3 of 1,612,584 alleles (0.00019%); highest among the groups gnomAD compares: African/African-American, 0.0027%; no homozygotes.

Submission:

Labcorp Genetics (formerly Invitae), Labcorp
Classification: Uncertain significance. Last evaluated: 2024-09-15. Review status: criteria provided, single submitter. Criteria: Invitae Variant Classification Sherloc (09022015). Collection method: clinical testing. Allele origin: germline.
Comment: This sequence change falls in intron 5 of the DNAJC17 gene. It does not directly change the encoded amino acid sequence of the DNAJC17 protein. This variant is not present in population databases (gnomAD no frequency). This variant has not been reported in the literature in individuals affected with DNAJC17-related conditions. Algorithms developed to predict the effect of sequence changes on RNA splicing suggest that this variant may disrupt the consensus splice site. In summary, the available evidence is currently insufficient to determine the role of this variant in disease. Therefore, it has been classified as a Variant of Uncertain Significance.

NM_018163.3(DNAJC17):c.382-13C>G

Gene: DNAJC17 (DnaJ heat shock protein family (Hsp40) member C17; minus strand). Cytogenetic location: 15q15.1.
Variant type: single nucleotide variant.
Coding change: c.382-13C>G on transcript NM_018163.3 (MANE Select); 13 bases into the intron before coding-DNA position 382, C replaced by G.
Molecular consequence: intron variant.
Genome position (GRCh38, 1-based): chr15:40,776,305, G>C on the plus strand (C>G on the coding strand, the complement: DNAJC17 is on the minus strand). VCF-style: chr15-40776305-G-C. GRCh37 (hg19) VCF-style: chr15-41068503-G-C.
Identifiers: ClinVar variation 3701335 (VCV003701335.2).
Genomic context (GRCh38, chr15:40,776,305, plus strand): 5'-CTGCTGTTCCTCCAGCTGCCGGGAACCCTCTTCTCTCAGGCGTTCGATCTGCAGAGCAGG[G>C]GGTGGGGGTGACAATTCTGTGCAGGTCCAATTCCAGGCTGGCTCACCTTGTAAAAAGTCC-3'